The following is an entry in ClinVar:

NM_000218.3(KCNQ1):c.944A>C (p.Tyr315Ser)

Gene: KCNQ1 (potassium voltage-gated channel subfamily Q member 1; plus strand). Cytogenetic location: 11p15.5.
Variant type: single nucleotide variant.
Coding change: c.944A>C on transcript NM_000218.3 (MANE Select); coding-DNA position 944, A replaced by C.
Protein change: p.Tyr315Ser; replaces tyrosine 315 with serine.
Molecular consequence: missense variant.
Genome position (GRCh38, 1-based): chr11:2,583,457, A>C. VCF-style: chr11-2583457-A-C. GRCh37 (hg19) VCF-style: chr11-2604687-A-C.
Other names: c.944A>C (LRG_287t1); c.944A>C, p.Tyr315Ser (NM_001406836.1); c.674A>C, p.Tyr225Ser (NM_001406837.1); c.500A>C, p.Tyr167Ser (NM_001406838.1); c.563A>C, p.Tyr188Ser (NM_181798.2); short protein forms Y315S, Y188S, Y167S, Y225S.
Identifiers: ClinVar variation 53139 (VCV000053139.12), dbSNP rs74462309, ClinGen allele CA008803.

ClinVar aggregate classification (germline): Pathogenic. Review status: criteria provided, multiple submitters, no conflicts (2 of 4 stars). 4 submissions from 4 submitters: Pathogenic (3). 1 of the submissions does not count toward it. Last evaluated 2024-11-02.

Conditions:
Cardiovascular phenotype. Identifiers: MedGen CN230736.
Familial long QT syndrome (RWS). Also called: Congenital long QT syndrome; Romano-Ward syndrome; VENTRICULAR FIBRILLATION WITH PROLONGED QT INTERVAL. Identifiers: Orphanet 768, MedGen C1141890, MONDO:0019171.
Long QT syndrome (LQTS). Identifiers: MedGen C0023976, MeSH D008133, MONDO:0002442. Disease mechanism: loss of function. Inheritance: Various modes of inheritance.

Submissions (4):

Labcorp Genetics (formerly Invitae), Labcorp
Classification: Pathogenic for Long QT syndrome. Last evaluated: 2024-11-02. Review status: criteria provided, single submitter. Criteria: Invitae Variant Classification Sherloc (09022015). Collection method: clinical testing. Allele origin: germline.
Comment: This sequence change replaces tyrosine, which is neutral and polar, with serine, which is neutral and polar, at codon 315 of the KCNQ1 protein (p.Tyr315Ser). This variant is not present in population databases (gnomAD no frequency). This missense change has been observed in individual(s) with long QT syndrome (PMID: 9386136, 10220144, 19490272, 24217263). In at least one individual the variant was observed to be de novo. ClinVar contains an entry for this variant (Variation ID: 53139). Invitae Evidence Modeling of protein sequence and biophysical properties (such as structural, functional, and spatial information, amino acid conservation, physicochemical variation, residue mobility, and thermodynamic stability) indicates that this missense variant is expected to disrupt KCNQ1 protein function with a positive predictive value of 95%. Experimental studies have shown that this missense change affects KCNQ1 function (PMID: 9312006, 10090886, 12522251, 18464931, 20833965). This variant disrupts the p.Tyr315 amino acid residue in KCNQ1. Other variant(s) that disrupt this residue have been determined to be pathogenic (PMID: 11087258, 12702160, 18774102, 21451124, 24217263). This suggests that this residue is clinically significant, and that variants that disrupt this residue are likely to be disease-causing. For these reasons, this variant has been classified as Pathogenic.

GeneDx
Classification: Pathogenic. Last evaluated: 2022-12-27. Review status: criteria provided, single submitter. Criteria: GeneDx Variant Classification Process June 2021. Collection method: clinical testing. Allele origin: germline. Affected: yes.
Comment: Not observed at significant frequency in large population cohorts (gnomAD); Published functional studies demonstrate a dominant negative effect (Chouabe et al., 1997; Mohammad-Panah et al., 1999; Ren et al., 2010); Transgenic rabbit studies demonstrate that rabbits heterozygous for the Y315S variant had an LQTS phenotype due to the elimination of the rapidly activating component (IKr) and the slowly activating component (IKs) channel currents in cardiomyocytes (Brunner et al., 2008; Castiglione et al., 2022); In silico analysis supports that this missense variant has a deleterious effect on protein structure/function; This variant is associated with the following publications: (PMID: 10090886, 9312006, 17470695, 34505893, 35138621, 34313298, 34601592, 35300995, 27210304, 20833965, 9386136, 27210307, 12566525, 10220144, 18464931, 28438721)

Ambry Genetics
Classification: Pathogenic for Cardiovascular phenotype. Last evaluated: 2020-12-16. Review status: criteria provided, single submitter. Criteria: Ambry Variant Classification Scheme 2023. Collection method: clinical testing. Allele origin: germline.
Comment: The p.Y315S pathogenic mutation (also known as c.944A>C), located in coding exon 7 of the KCNQ1 gene, results from an A to C substitution at nucleotide position 944. The tyrosine at codon 315 is replaced by serine, an amino acid with dissimilar properties. This alteration impacts the highly conserved ion selectivity filter (TIGYGD) located between transmembrane helices S5 and S6. This alteration has been reported in unrelated individuals reported to have long QT syndrome (LQTS), has been reported as occurring de novo in at least one case, and has been reported in affected individuals within families (Donger C et al. Circulation. 1997;96(9):2778-81; Jongbloed RJ et al. Hum Mutat. 1999;13(4):301-10; Moss AJ et al. Circulation. 2007;115(19):2481-9). In addition, this alteration has been reported to result in LQTS phenotype in a transgenic rabbit model due to elimination of IKs current, and in vitro studies report abnormal channel function as a result of this alteration (Chouabe C et al. EMBO J. 1997;16(17):5472-9; Brunner et al. J Clin Invest. 2008; 18(6):2246-59). Internal structural analysis indicates that this variant disrupts the ion channel pore and is expected to eliminate the K+ selectivity of the K+ channel (Tao X et al. Science. 2009;326(5960):1668-74; Whorton MR and MacKinnon R. Cell. 2011;147(1):199-208; Ambry internal data). Based on the supporting evidence, this alteration is interpreted as a disease-causing mutation.

Cardiovascular Biomedical Research Unit, Royal Brompton & Harefield NHS Foundation Trust
No classification provided. Condition: Familial long QT syndrome. Review status: no classification provided. Collection method: literature only. Allele origin: germline. Not counted in ClinVar's aggregate classification.
Comment: This variant has been reported as associated with Long QT syndrome in the following publications (PMID:9386136;PMID:10220144;PMID:12566525;PMID:18464931;PMID:20833965;PMID:17470695). This is a literature report, and does not necessarily reflect the clinical interpretation of the Imperial College / Royal Brompton Cardiovascular Genetics laboratory.

Literature cited by the submitters: PubMed 9386136 (cited by 3 submitters); PubMed 10220144 (cited by 3 submitters); PubMed 19490272 (cited by Labcorp Genetics (formerly Invitae), Labcorp); PubMed 24217263 (cited by Labcorp Genetics (formerly Invitae), Labcorp and Ambry Genetics); PubMed 9312006 (cited by Labcorp Genetics (formerly Invitae), Labcorp and Ambry Genetics); PubMed 10090886 (cited by Labcorp Genetics (formerly Invitae), Labcorp and Ambry Genetics); PubMed 12522251 (cited by Labcorp Genetics (formerly Invitae), Labcorp); PubMed 18464931 (cited by 3 submitters); PubMed 20833965 (cited by 3 submitters); PubMed 11087258 (cited by Labcorp Genetics (formerly Invitae), Labcorp); PubMed 12702160 (cited by Labcorp Genetics (formerly Invitae), Labcorp); PubMed 18774102 (cited by Labcorp Genetics (formerly Invitae), Labcorp); PubMed 21451124 (cited by Labcorp Genetics (formerly Invitae), Labcorp); PubMed 17470695 (cited by Ambry Genetics and Cardiovascular Biomedical Research Unit, Royal Brompton & Harefield NHS Foundation Trust); PubMed 12566525 (cited by Cardiovascular Biomedical Research Unit, Royal Brompton & Harefield NHS Foundation Trust); PubMed 22581653 (cited by Cardiovascular Biomedical Research Unit, Royal Brompton & Harefield NHS Foundation Trust).